The following is an entry in ClinVar:

ClinVar aggregate classification (germline): Uncertain significance (1 of 4 stars; one submission).

Submission:

Ambry Genetics
Classification: Uncertain significance. Last evaluated: 2024-02-24. Review status: criteria provided, single submitter. Criteria: Ambry Variant Classification Scheme 2023. Collection method: clinical testing. Allele origin: germline.
Comment: The p.T866I variant (also known as c.2597C>T), located in coding exon 4 of the ALPK2 gene, results from a C to T substitution at nucleotide position 2597. The threonine at codon 866 is replaced by isoleucine, an amino acid with similar properties. This amino acid position is conserved. In addition, this alteration is predicted to be tolerated by in silico analysis. Since supporting evidence is limited at this time, the clinical significance of this alteration remains unclear.

NM_052947.4(ALPK2):c.2597C>T (p.Thr866Ile)

Gene: ALPK2 (alpha kinase 2; minus strand). Cytogenetic location: 18q21.31.
Variant type: single nucleotide variant.
Coding change: c.2597C>T on transcript NM_052947.4 (MANE Select); coding-DNA position 2597, C replaced by T.
Protein change: p.Thr866Ile; replaces threonine 866 with isoleucine.
Molecular consequence: missense variant.
Genome position (GRCh38, 1-based): chr18:58,537,590, G>A on the plus strand (C>T on the coding strand, the complement: ALPK2 is on the minus strand). VCF-style: chr18-58537590-G-A. GRCh37 (hg19) VCF-style: chr18-56204822-G-A.
Other names: short protein forms T866I.
Identifiers: ClinVar variation 1793575 (VCV001793575.2), dbSNP rs2518877470, ClinGen allele CA402570184.